The following is an entry in ClinVar:

NM_001128840.3(CACNA1D):c.2729G>A (p.Arg910His)

Gene: CACNA1D (calcium voltage-gated channel subunit alpha1 D; plus strand). Cytogenetic location: 3p21.1.
Variant type: single nucleotide variant.
Coding change: c.2729G>A on transcript NM_001128840.3 (MANE Select); coding-DNA position 2729, G replaced by A.
Protein change: p.Arg910His; replaces arginine 910 with histidine.
Molecular consequence: missense variant.
Genome position (GRCh38, 1-based): chr3:53,735,481, G>A. VCF-style: chr3-53735481-G-A. GRCh37 (hg19) VCF-style: chr3-53769508-G-A.
Other names: c.2789G>A, p.Arg930His (NM_000720.4); c.2729G>A, p.Arg910His (NM_001128839.3); short protein forms R930H, R910H.
Identifiers: ClinVar variation 504806 (VCV000504806.22), dbSNP rs115066564, ClinGen allele CA2454328.

ClinVar aggregate classification (germline): Conflicting classifications of pathogenicity. Review status: criteria provided, conflicting classifications (1 of 4 stars). 7 submissions from 7 submitters: Uncertain significance (4); Likely benign (2). 1 of the submissions does not count toward it. Last evaluated 2026-01-14.

Conditions:
Inborn genetic diseases. Identifiers: MedGen C0950123, MeSH D030342.
CACNA1D-related disorder.

Allele frequency attached by ClinVar (database versions not stated): gnomAD 0.00036 and 0.00041; ESP Exome Variant Server 0.00038; 1000 Genomes Project 0.00040; TOPMed 0.00043; ExAC 0.00046; gnomAD exomes 0.00046 and 0.00078; 1000 Genomes Project 30x 0.00047.
gnomAD v4.1: 1,181 of 1,613,812 alleles (0.073%); highest among the groups gnomAD compares: South Asian, 0.16%; 3 homozygotes.

Submissions (7):

Labcorp Genetics (formerly Invitae), Labcorp
Classification: Likely benign. Last evaluated: 2026-01-14. Review status: criteria provided, single submitter. Criteria: Invitae Variant Classification Sherloc (09022015). Collection method: clinical testing. Allele origin: germline.

GeneDx
Classification: Uncertain significance. Last evaluated: 2025-12-03. Review status: criteria provided, single submitter. Criteria: GeneDx Variant Classification Process June 2021. Collection method: clinical testing. Allele origin: germline. Affected: yes.
Comment: In silico analysis supports that this missense variant has a deleterious effect on protein structure/function; This variant is associated with the following publications: (PMID: 32561571, 37217689, 36430690, 37025382, 38553610)

Blueprint Genetics
Classification: Likely benign. Last evaluated: 2024-10-09. Review status: criteria provided, single submitter. Criteria: ACMG Guidelines, 2015. Collection method: clinical testing. Allele origin: germline.

Ambry Genetics
Classification: Uncertain significance for Inborn genetic diseases. Last evaluated: 2022-09-26. Review status: criteria provided, single submitter. Criteria: Ambry Variant Classification Scheme 2023. Collection method: clinical testing. Allele origin: germline.
Comment: Unlikely to be causative of Primary aldosteronism, seizures, and neurologic abnormalities (AD) Based on insufficient or conflicting evidence, the clinical significance of this alteration remains unclear.

Dubai Health Genomic Medicine Center, Dubai Health
Classification: Uncertain significance. Last evaluated: 2020-01-07. Review status: criteria provided, single submitter. Criteria: ACMG Guidelines, 2015. Collection method: clinical testing. Allele origin: germline. Affected: yes.
Comment: The p.Arg930His missense variant in CACNA1D has been identified by a clinical laboratory in one individual with hearing loss (ClinVar: RCV000603795.1). It has also been identified in 41/30614 (0.1% 0 homozygotes) South Asian alleles including one homozygote in the Genome Aggregation Database. Computational prediction tools and conservation analyses suggest that this variant may impact the protein though th is information is not predictive enough to determine pathogenicity. In summary while the clinical significance of the p.Arg930His variant is uncertain its frequency suggests that it is more likely to be benign.

Laboratory for Molecular Medicine, Mass General Brigham Personalized Medicine
Classification: Uncertain significance. Last evaluated: 2018-08-07. Review status: criteria provided, single submitter. Criteria: LMM Criteria. Collection method: clinical testing. Allele origin: germline. Observed: 2 variant alleles.
Comment: Variant classified as Uncertain Significance - Favor Benign. Computational prediction tools and c onservation analyses suggest that this variant may impact the protein, though th is information is not predictive enough to determine pathogenicity. In summary, while the clinical significance of the p.Arg930His variant is uncertain, its fre quency suggests that it is more likely to be benign. ACMG/AMP Criteria applied: BS1_Supporting, PP3.

PreventionGenetics, part of Exact Sciences
Classification: Likely benign for CACNA1D-related condition. Last evaluated: 2023-09-05. Review status: no assertion criteria provided. Collection method: clinical testing. Allele origin: germline. Not counted in ClinVar's aggregate classification.
Comment: This variant is classified as likely benign based on ACMG/AMP sequence variant interpretation guidelines (Richards et al. 2015 PMID: 25741868, with internal and published modifications).

Literature cited by the submitters: PubMed 32561571 (cited by Ambry Genetics); PubMed 33432195 (cited by Ambry Genetics).